The following is an entry in ClinVar:

ClinVar aggregate classification (germline): Likely benign (1 of 4 stars; one submission).

Conditions:
Atypical hemolytic-uremic syndrome. Identifiers: Orphanet 2134, MedGen C2931788, MONDO:0016244.

Submission:

Genomenon, Inc
Classification: Likely benign for Atypical hemolytic-uremic syndrome. Last evaluated: 2026-09-17. Review status: criteria provided, single submitter. Criteria: Genomenon Sequence Variant Interpretation Standards - Updated. Collection method: curation. Allele origin: germline. Affected: yes.
Comment: CD46 c.286+18_286+27del is a deletion variant located in intron 2. This variant has been observed in at least one proband affected with atypical hemolytic-uremic syndrome (PMID:29533929). It is absent or not present at a significant frequency in gnomAD. This variant is not predicted to impact splicing. In conclusion, we classify CD46 c.286+18_286+27del as a likely benign variant.

Literature cited by the submitters: PubMed 29533929.

NM_172351.3(CD46):c.286+18_286+27del

Gene: CD46 (CD46 molecule; plus strand). Cytogenetic location: 1q32.2.
Variant type: Deletion.
Coding change: c.286+18_286+27del on transcript NM_172351.3 (MANE Select); bases 18 to 27 of the intron after coding-DNA position 286, 10 bases deleted (TTTTTTTTTT; older notation c.286+18_286+27delTTTTTTTTTT).
Molecular consequence: intron variant.
Genome position (GRCh38, 1-based): chr1:207,757,220-207,757,229, TTTTTTTTTT deleted. VCF-style (leftmost placement, unchanged base first): chr1-207757219-CTTTTTTTTTT-C. GRCh37 (hg19) VCF-style: chr1-207930564-CTTTTTTTTTT-C.
Other names: c.286+18_286+27del (NM_002389.4, NM_172359.3, NM_153826.4 and 8 more transcripts).
Identifiers: ClinVar variation 4291219 (VCV004291219.2).
Genomic context (GRCh38, chr1:207,757,219, plus strand): 5'-TCGGAATCATACATGGCTACCTGTCTCAGATGACGCCTGTTATAGTAAGTAAACAAACCT[CTTTTTTTTTT>C]CTGCTTGCTCTAGAGATTTGCATACATTTTGGGGTACATATTCCACTACGGTGATGATGA-3'